The following is an entry in ClinVar:

ClinVar aggregate classification (germline): Likely benign (1 of 4 stars; one submission).

gnomAD v4.1: 9,520 of 1,599,224 alleles (0.6%); highest among the groups gnomAD compares: Non-Finnish European, 0.72%; 34 homozygotes.

Submission:

CeGaT Center for Human Genetics Tuebingen
Classification: Likely benign. Last evaluated: 2024-08-01. Review status: criteria provided, single submitter. Criteria: CeGaT Center For Human Genetics Tuebingen Variant Classification Criteria Version 2. Collection method: clinical testing. Allele origin: germline. Affected: yes. Observed: 1 variant allele.
Comment: ENPP2: BP4, BP7

NM_001040092.3(ENPP2):c.1164A>G (p.Gly388=)

Gene: ENPP2 (ectonucleotide pyrophosphatase/phosphodiesterase 2; minus strand). Cytogenetic location: 8q24.12.
Variant type: single nucleotide variant.
Coding change: c.1164A>G on transcript NM_001040092.3 (MANE Select); coding-DNA position 1164, A replaced by G.
Protein change: p.Gly388=; no amino-acid change (glycine 388 retained).
Molecular consequence: synonymous variant. On other transcripts: non-coding transcript variant (1).
Genome position (GRCh38, 1-based): chr8:119,590,548, T>C on the plus strand (A>G on the coding strand, the complement: ENPP2 is on the minus strand). VCF-style: chr8-119590548-T-C. GRCh37 (hg19) VCF-style: chr8-120602788-T-C.
Other names: c.1164A>G, p.Gly388= (NM_001130863.3); c.1152A>G, p.Gly384= (NM_001330600.2); c.1320A>G, p.Gly440= (NM_006209.5).
Identifiers: ClinVar variation 3341517 (VCV003341517.16).